The following is an entry in ClinVar:

ClinVar aggregate classification (germline): Uncertain significance (1 of 4 stars; one submission).

Conditions:
Hereditary cancer-predisposing syndrome. Also called: Neoplastic Syndromes, Hereditary; Tumor predisposition; Hereditary Cancer Syndrome; Hereditary neoplastic syndrome. Identifiers: Orphanet 140162, MedGen C0027672, MeSH D009386, MONDO:0015356.

Submission:

Ambry Genetics
Classification: Uncertain significance for Hereditary cancer-predisposing syndrome. Last evaluated: 2022-06-16. Review status: criteria provided, single submitter. Criteria: Ambry Variant Classification Scheme 2023. Collection method: clinical testing. Allele origin: germline.
Comment: The p.E272D variant (also known as c.816A>T), located in coding exon 4 of the MSH6 gene, results from an A to T substitution at nucleotide position 816. The glutamic acid at codon 272 is replaced by aspartic acid, an amino acid with highly similar properties. This amino acid position is conserved. In addition, this alteration is predicted to be tolerated by in silico analysis. Since supporting evidence is limited at this time, the clinical significance of this alteration remains unclear.

NM_000179.3(MSH6):c.816A>T (p.Glu272Asp)

Gene: MSH6 (mutS homolog 6; plus strand). Cytogenetic location: 2p16.3.
Variant type: single nucleotide variant.
Coding change: c.816A>T on transcript NM_000179.3 (MANE Select); coding-DNA position 816, A replaced by T.
Protein change: p.Glu272Asp; replaces glutamic acid 272 with aspartic acid.
Molecular consequence: missense variant. On other transcripts: 5 prime UTR variant (2).
Genome position (GRCh38, 1-based): chr2:47,798,799, A>T. VCF-style: chr2-47798799-A-T. GRCh37 (hg19) VCF-style: chr2-48025938-A-T.
Other names: c.816A>T, p.Glu272Asp (NM_001406808.1, NM_001406809.1, NM_001406796.1 and 4 more transcripts); c.822A>T, p.Glu274Asp (NM_001406813.1); c.-91A>T (NM_001406814.1, NM_001406815.1, NM_001406812.1 and 6 more transcripts); c.426A>T, p.Glu142Asp (NM_001281492.2); c.912A>T, p.Glu304Asp (NM_001406795.1, NM_001406802.1); c.519A>T, p.Glu173Asp (NM_001406797.1, NM_001406801.1, NM_001406805.1 and 10 more transcripts); c.291A>T, p.Glu97Asp (NM_001406799.1, NM_001406806.1, NM_001406807.1); c.738A>T, p.Glu246Asp (NM_001406804.1); and 1 more; short protein forms E304D, E272D, E173D, E216D, E246D, E142D, E274D, E97D.
Identifiers: ClinVar variation 1762253 (VCV001762253.2), dbSNP rs863224631, ClinGen allele CA346740403.